The following is an entry in ClinVar:

ClinVar aggregate classification (germline): Pathogenic/Likely pathogenic. Review status: criteria provided, multiple submitters, no conflicts (2 of 4 stars). 5 submissions from 5 submitters: Pathogenic (4); Likely pathogenic (1). Last evaluated 2024-02-24.

Conditions:
Early-infantile DEE. Also called: Ohtahara syndrome; Early infantile epileptic encephalopathy; Early infantile epileptic encephalopathy with suppression bursts. Identifiers: Orphanet 1934, MedGen C0393706, MONDO:0800491.
Severe myoclonic epilepsy in infancy (DRVT). Also called: DEVELOPMENTAL AND EPILEPTIC ENCEPHALOPATHY 6A; Severe Myoclonic Epilepsy in Infancy (SMEI); Epileptic encephalopathy, early infantile, 6 (Dravet syndrome); SEVERE MYOCLONIC EPILEPSY OF INFANCY; Dravet syndrome. Identifiers: Orphanet 33069, MedGen C0751122, MONDO:0100135, OMIM 607208.

Submissions (5):

Labcorp Genetics (formerly Invitae), Labcorp
Classification: Pathogenic for Early-infantile DEE. Last evaluated: 2024-02-24. Review status: criteria provided, single submitter. Criteria: Invitae Variant Classification Sherloc (09022015). Collection method: clinical testing. Allele origin: germline.
Comment: This sequence change replaces tyrosine, which is neutral and polar, with cysteine, which is neutral and slightly polar, at codon 426 of the SCN1A protein (p.Tyr426Cys). This variant is not present in population databases (gnomAD no frequency). This missense change has been observed in individual(s) with Dravet syndrome (PMID: 18930999, 23195492, 30577886, 31864146). In at least one individual the variant was observed to be de novo. ClinVar contains an entry for this variant (Variation ID: 206761). Advanced modeling of protein sequence and biophysical properties (such as structural, functional, and spatial information, amino acid conservation, physicochemical variation, residue mobility, and thermodynamic stability) performed at Invitae indicates that this missense variant is expected to disrupt SCN1A protein function with a positive predictive value of 95%. For these reasons, this variant has been classified as Pathogenic.

Athena Diagnostics
Classification: Pathogenic. Last evaluated: 2023-05-10. Review status: criteria provided, single submitter. Criteria: Athena Diagnostics Criteria. Collection method: clinical testing. Allele origin: unknown.
Comment: This variant has not been reported in large, multi-ethnic general populations. This variant has been identified in multiple unrelated individuals with clinical features associated with this gene including multiple confirmed de novo occurrences. Computational tools predict that this variant is damaging.

Genomic Diagnostic Laboratory, Division of Genomic Diagnostics, Children's Hospital of Philadelphia
Classification: Pathogenic. Last evaluated: 2015-09-02. Review status: criteria provided, single submitter. Criteria: DGD Variant Analysis Guidelines. Collection method: clinical testing. Allele origin: unknown.

GeneDx
Classification: Pathogenic. Last evaluated: 2015-01-06. Review status: criteria provided, single submitter. Criteria: GeneDx Variant Classification (06012015). Collection method: clinical testing. Allele origin: germline. Affected: yes.
Comment: p.Tyr426Cys (TAC>TGC): c.1277 A>G in exon 9 of the SCN1A gene (NM_001165963.1) The Y426C missense mutation in the SCN1A gene has been reported previously as a de novo mutation in an individual with Dravet syndrome (Depienne et al., 2009). It was also reported in two individuals with severe myoclonic epilepsy of infancy (SMEI) (Wang et al., 2012). Additionally, a different amino acid substitution at this same position (Y426N) has been reported as a de novo mutation in an individual with SMEI (Nabbout et al., 2003). The Y426C substitution alters a highly conserved position predicted to be in the in the cytoplasmic loop between the first and second homologous domains. The variant is found in INFANTV2-EPIV2-1 panel(s).

Lifecell International Pvt. Ltd
Classification: Likely pathogenic for Severe myoclonic epilepsy in infancy. Review status: criteria provided, single submitter. Criteria: ACMG Guidelines, 2015. Collection method: clinical testing. Allele origin: germline. Inheritance: Autosomal dominant inheritance. Affected: yes. Observed: 1 variant allele, 1 heterozygote.
Comment: A heterozygous missense variant (c.1277A>G) in exon 12 of the SCN1A gene that results in the amino acid substitution from tyrosine to cysteine at codon 426 (p.Tyr426Cys) was identified. There is a large physicochemical difference between tyrosine and cysteine, which is likely to impact secondary protein structure as these residues differ in polarity, charge, size and/or other properties. The observed variant is not present in both the 1000 Genomes and gnomAD databases. The reference base is conserved across the species and in-silico predictions by Polyphen and SIFT are damaging. The Missense Variants Z-Score for this variant is 5.61.Missense Variants Z-Score is produced by the Exome Aggregation Consortium (60,706 adult humans) by computing a signed Z score for the deviation of observed counts from the expected number. Positive Z scores indicate increased constraint (intolerance to variation) and therefore that the gene had fewer missense variants than expected. (DOI: 10.1038/nature19057).The Missense Badness Score and MPC value for this variant are 0.59 and 1.92, respectively. Missense Badness Score is the normalized fold difference of missense substitutions between observed and expected variants from ExAC dataset. This score is then combined with orthogonal deleteriousness metrics into one score called MPC (for Missense badness, PolyPhen-2, and Constraint) designed to classify whether a missense variants is deleterious. Variants with MPC â‰¥ 2 have a rate nearly 6 times higher in cases than in controls. While those with intermediate MPC values (1 â‰¤ MPC 2) have a more modest excess in cases. This has been previously classified as Pathogenic in ClinVar (Variation ID 206761 as of 2020-11-05) with respect to not provided with a status of (2 stars) criteria provided, multiple submitters, no conflicts. This variant has previously been reported for Dravet syndrome by Till Ã et al., 2020. The variant is present in a hot-spot region and in the Ion transport protein domain of the SCN1A protein. Based on the above evidence this variant has been classified as Likely pathogenic according to the ACMG guidelines.

Literature cited by the submitters: PubMed 18930999 (cited by Labcorp Genetics (formerly Invitae), Labcorp and Athena Diagnostics); PubMed 23195492 (cited by Labcorp Genetics (formerly Invitae), Labcorp and Athena Diagnostics); PubMed 30577886 (cited by Labcorp Genetics (formerly Invitae), Labcorp and Athena Diagnostics); PubMed 31864146 (cited by Labcorp Genetics (formerly Invitae), Labcorp and Athena Diagnostics); PubMed 29655203 (cited by Athena Diagnostics); PubMed 35663268 (cited by Athena Diagnostics); PubMed 31765958 (cited by Athena Diagnostics).

NM_001165963.4(SCN1A):c.1277A>G (p.Tyr426Cys)

Gene: SCN1A (sodium voltage-gated channel alpha subunit 1; minus strand). Cytogenetic location: 2q24.3.
Variant type: single nucleotide variant.
Coding change: c.1277A>G on transcript NM_001165963.4 (MANE Select); coding-DNA position 1277, A replaced by G.
Protein change: p.Tyr426Cys; replaces tyrosine 426 with cysteine.
Molecular consequence: missense variant. On other transcripts: 5 prime UTR variant (1), non-coding transcript variant (1).
Genome position (GRCh38, 1-based): chr2:166,046,870, T>C on the plus strand (A>G on the coding strand, the complement: SCN1A is on the minus strand). VCF-style: chr2-166046870-T-C. GRCh37 (hg19) VCF-style: chr2-166903380-T-C.
Other names: p.Y426C:TAC>TGC; c.1277A>G, p.Tyr426Cys (NM_001165964.3, NM_001202435.3, NM_001353948.2 and 10 more transcripts); c.-1149A>G (NM_001353961.2); short protein forms Y426C.
Identifiers: ClinVar variation 206761 (VCV000206761.12), dbSNP rs796052973, ClinGen allele CA317209.